The following is an entry in ClinVar:

ClinVar aggregate classification (germline): Uncertain significance (1 of 4 stars; one submission).

Conditions:
Autosomal recessive severe congenital neutropenia due to CSF3R deficiency. Also called: Neutropenia, severe congenital, 7, autosomal recessive. Identifiers: Orphanet 420702, MedGen C4310764, MONDO:0014865, OMIM 617014.

Submission:

Labcorp Genetics (formerly Invitae), Labcorp
Classification: Uncertain significance for Autosomal recessive severe congenital neutropenia due to CSF3R deficiency. Last evaluated: 2022-05-16. Review status: criteria provided, single submitter. Criteria: Invitae Variant Classification Sherloc (09022015). Collection method: clinical testing. Allele origin: germline.
Comment: In summary, the available evidence is currently insufficient to determine the role of this variant in disease. Therefore, it has been classified as a Variant of Uncertain Significance. Algorithms developed to predict the effect of missense changes on protein structure and function are either unavailable or do not agree on the potential impact of this missense change (SIFT: "Deleterious"; PolyPhen-2: "Probably Damaging"; Align-GVGD: "Class C15"). This variant has not been reported in the literature in individuals affected with CSF3R-related conditions. This variant is not present in population databases (gnomAD no frequency). This sequence change replaces alanine, which is neutral and non-polar, with serine, which is neutral and polar, at codon 119 of the CSF3R protein (p.Ala119Ser).

NM_000760.4(CSF3R):c.355G>T (p.Ala119Ser)

Gene: CSF3R (colony stimulating factor 3 receptor; minus strand). Cytogenetic location: 1p34.3.
Variant type: single nucleotide variant.
Coding change: c.355G>T on transcript NM_000760.4 (MANE Select); coding-DNA position 355, G replaced by T.
Protein change: p.Ala119Ser; replaces alanine 119 with serine.
Molecular consequence: missense variant.
Genome position (GRCh38, 1-based): chr1:36,475,383, C>A on the plus strand (G>T on the coding strand, the complement: CSF3R is on the minus strand). VCF-style: chr1-36475383-C-A. GRCh37 (hg19) VCF-style: chr1-36940984-C-A.
Other names: c.355G>T, p.Ala119Ser (NM_156039.3, NM_172313.3); short protein forms A119S.
Identifiers: ClinVar variation 2133647 (VCV002133647.4), dbSNP rs142999683, ClinGen allele CA339424609.